The following is an entry in ClinVar:

NM_002843.4(PTPRJ):c.1662G>A (p.Thr554=)

Gene: PTPRJ (protein tyrosine phosphatase receptor type J; plus strand). Cytogenetic location: 11p11.2.
Variant type: single nucleotide variant.
Coding change: c.1662G>A on transcript NM_002843.4 (MANE Select); coding-DNA position 1662, G replaced by A.
Protein change: p.Thr554=; no amino-acid change (threonine 554 retained).
Molecular consequence: synonymous variant.
Genome position (GRCh38, 1-based): chr11:48,136,085, G>A. VCF-style: chr11-48136085-G-A. GRCh37 (hg19) VCF-style: chr11-48157637-G-A.
Identifiers: ClinVar variation 4990819 (VCV004990819.1).

ClinVar aggregate classification (germline): Likely benign (1 of 4 stars; one submission).

Conditions:
PTPRJ-related disorder. Also called: PTPRJ-related condition.

gnomAD v4.1: 41 of 1,614,022 alleles (0.0025%); highest among the groups gnomAD compares: African/African-American, 0.013%; no homozygotes.

Submission:

PreventionGenetics, part of Exact Sciences
Classification: Likely benign for PTPRJ-related condition. Last evaluated: 2024-12-27. Review status: criteria provided, single submitter. Criteria: ACMG Guidelines, 2015. Collection method: clinical testing. Allele origin: germline.
Comment: This variant is classified as likely benign based on ACMG/AMP sequence variant interpretation guidelines (Richards et al. 2015 PMID: 25741868, with internal and published modifications).